The following is an entry in ClinVar:

ClinVar aggregate classification (germline): Uncertain significance (1 of 4 stars; one submission).

Conditions:
Hereditary cancer-predisposing syndrome. Also called: Hereditary neoplastic syndrome; Neoplastic Syndromes, Hereditary; Tumor predisposition; Hereditary Cancer Syndrome. Identifiers: Orphanet 140162, MedGen C0027672, MeSH D009386, MONDO:0015356.

Submission:

Ambry Genetics
Classification: Uncertain significance for Hereditary cancer-predisposing syndrome. Last evaluated: 2025-01-29. Review status: criteria provided, single submitter. Criteria: Ambry Variant Classification Scheme 2023. Collection method: clinical testing. Allele origin: germline.
Comment: The p.E1340K variant (also known as c.4018G>A), located in coding exon 27 of the ALK gene, results from a G to A substitution at nucleotide position 4018. The glutamic acid at codon 1340 is replaced by lysine, an amino acid with similar properties. This amino acid position is conserved. In addition, this alteration is predicted to be deleterious by in silico analysis. Based on the available evidence, the clinical significance of this variant remains unclear.

NM_004304.5(ALK):c.4018G>A (p.Glu1340Lys)

Gene: ALK (ALK receptor tyrosine kinase; minus strand). Cytogenetic location: 2p23.2.
Variant type: single nucleotide variant.
Coding change: c.4018G>A on transcript NM_004304.5 (MANE Select); coding-DNA position 4018, G replaced by A.
Protein change: p.Glu1340Lys; replaces glutamic acid 1340 with lysine.
Molecular consequence: missense variant.
Genome position (GRCh38, 1-based): chr2:29,197,597, C>T on the plus strand (G>A on the coding strand, the complement: ALK is on the minus strand). VCF-style: chr2-29197597-C-T. GRCh37 (hg19) VCF-style: chr2-29420463-C-T.
Other names: c.814G>A, p.Glu272Lys (NM_001353765.2); short protein forms E1340K, E272K.
Identifiers: ClinVar variation 3855522 (VCV003855522.1).